The following is an entry in ClinVar:

ClinVar aggregate classification (germline): Benign (0 of 4 stars; one submission).

Conditions:
LRP1B-related disorder. Also called: LRP1B-related condition.

Allele frequency attached by ClinVar (database versions not stated): 1000 Genomes Project 0.12620; 1000 Genomes Project 30x 0.12695; TOPMed 0.17641; gnomAD 0.19635; ESP Exome Variant Server 0.20667; ExAC 0.21544; gnomAD exomes 0.25227.
gnomAD v4.1: 396,312 of 1,609,874 alleles (25%); highest among the groups gnomAD compares: Non-Finnish European, 27%; 52,571 homozygotes.

Submission:

PreventionGenetics, part of Exact Sciences
Classification: Benign for LRP1B-related condition. Last evaluated: 2019-10-23. Review status: no assertion criteria provided. Collection method: clinical testing. Allele origin: germline.
Comment: This variant is classified as benign based on ACMG/AMP sequence variant interpretation guidelines (Richards et al. 2015 PMID: 25741868, with internal and published modifications).

NM_018557.3(LRP1B):c.8730C>T (p.Cys2910=)

Gene: LRP1B (LDL receptor related protein 1B; minus strand). Cytogenetic location: 2q22.1.
Variant type: single nucleotide variant.
Coding change: c.8730C>T on transcript NM_018557.3 (MANE Select); coding-DNA position 8730, C replaced by T.
Protein change: p.Cys2910=; no amino-acid change (cysteine 2910 retained).
Molecular consequence: synonymous variant.
Genome position (GRCh38, 1-based): chr2:140,501,807, G>A on the plus strand (C>T on the coding strand, the complement: LRP1B is on the minus strand). VCF-style: chr2-140501807-G-A. GRCh37 (hg19) VCF-style: chr2-141259376-G-A.
Identifiers: ClinVar variation 3060548 (VCV003060548.2), dbSNP rs35164907, ClinGen allele CA1893881.